The following is an entry in ClinVar:

ClinVar aggregate classification (germline): Uncertain significance (1 of 4 stars; one submission).

Conditions:
Neurodevelopmental disorder with hypotonia, stereotypic hand movements, and impaired language. Also called: Intellectual disability, autosomal dominant 20. Identifiers: Orphanet 228384, Orphanet 664410, MedGen C3150700, MONDO:0013266, OMIM 613443.

gnomAD v4.1: 2 of 1,567,898 alleles (0.00013%); highest among the groups gnomAD compares: Admixed American, 0.0019%; no homozygotes.

Submission:

Labcorp Genetics (formerly Invitae), Labcorp
Classification: Uncertain significance for Neurodevelopmental disorder with hypotonia, stereotypic hand movements, and impaired language. Last evaluated: 2025-05-02. Review status: criteria provided, single submitter. Criteria: Invitae Variant Classification Sherloc (09022015). Collection method: clinical testing. Allele origin: germline.
Comment: This sequence change falls in intron 5 of the MEF2C gene. It does not directly change the encoded amino acid sequence of the MEF2C protein. It affects a nucleotide within the consensus splice site. The frequency data for this variant in the population databases is considered unreliable, as metrics indicate poor data quality at this position in the gnomAD database. This variant has not been reported in the literature in individuals affected with MEF2C-related conditions. Variants that disrupt the consensus splice site are a relatively common cause of aberrant splicing (PMID: 17576681, 9536098). Algorithms developed to predict the effect of sequence changes on RNA splicing suggest that this variant is not likely to affect RNA splicing. In summary, the available evidence is currently insufficient to determine the role of this variant in disease. Therefore, it has been classified as a Variant of Uncertain Significance.

Literature cited by the submitters: PubMed 17576681; PubMed 9536098.

NM_002397.5(MEF2C):c.590-3T>C

Gene: MEF2C (myocyte enhancer factor 2C; minus strand). Cytogenetic location: 5q14.3.
Variant type: single nucleotide variant.
Coding change: c.590-3T>C on transcript NM_002397.5 (MANE Select); 3 bases into the intron before coding-DNA position 590, T replaced by C.
Molecular consequence: intron variant.
Genome position (GRCh38, 1-based): chr5:88,749,120, A>G on the plus strand (T>C on the coding strand, the complement: MEF2C is on the minus strand). VCF-style: chr5-88749120-A-G. GRCh37 (hg19) VCF-style: chr5-88044937-A-G.
Other names: c.590-3T>C (NM_001364329.2, NM_001364330.2, NM_001364333.2 and 18 more transcripts); c.446-3T>C (NM_001364344.2, NM_001364354.2, NM_001364332.2 and 3 more transcripts); c.212-3T>C (NM_001364353.2, NM_001364356.2); c.584-3T>C (NM_001131005.2, NM_001364352.2, NM_001364343.2); c.644-3T>C (NM_001193347.1, NM_001364338.2); c.164-3T>C (NM_001364357.2).
Identifiers: ClinVar variation 4781170 (VCV004781170.1).